The following is an entry in ClinVar:

NM_016239.4(MYO15A):c.9584C>G (p.Pro3195Arg)

Gene: MYO15A (myosin XVA; plus strand). Cytogenetic location: 17p11.2.
Variant type: single nucleotide variant.
Coding change: c.9584C>G on transcript NM_016239.4 (MANE Select); coding-DNA position 9584, C replaced by G.
Protein change: p.Pro3195Arg; replaces proline 3195 with arginine.
Molecular consequence: missense variant.
Genome position (GRCh38, 1-based): chr17:18,162,651, C>G. VCF-style: chr17-18162651-C-G. GRCh37 (hg19) VCF-style: chr17-18065965-C-G.
Other names: short protein forms P3195R.
Identifiers: ClinVar variation 4813857 (VCV004813857.1).

ClinVar aggregate classification (germline): Likely pathogenic (1 of 4 stars; one submission).

Conditions:
Autosomal recessive nonsyndromic hearing loss 3. Also called: NEUROSENSORY NONSYNDROMIC RECESSIVE DEAFNESS 3. Identifiers: Orphanet 90636, MedGen C1838263, MONDO:0010860, OMIM 600316.

gnomAD v4.1: 1 of 1,614,102 alleles (0.000062%); highest among the groups gnomAD compares: Non-Finnish European, 0.000085%; no homozygotes.

Submission:

Genetics Research Center, University of Social Welfare and Rehabilitation Sciences
Classification: Likely pathogenic for Autosomal recessive nonsyndromic hearing loss 3. Review status: criteria provided, single submitter. Criteria: ACMG Guidelines, 2015. Collection method: research. Allele origin: germline. Affected: yes.
Comment: The variant is present in the gnomAD v2.1.1 dataset at a very low allele frequency (0.0004%) and has been reported in homozygous state in an Iranian family with autosomal recessive nonsyndromic hearing loss and segregates with disease (PMID:30579064). The variant affects a highly conserved residue within the MYTH4 domain, a critical functional region enriched for pathogenic variants. Structural modeling indicates disruption of the MYTH4–FERM domain interface. Multiple in silico prediction tools suggest that the variant is damaging to protein function.

Literature cited by the submitters: PubMed 30579064.